The following is an entry in ClinVar:

ClinVar aggregate classification (germline): Pathogenic (1 of 4 stars; one submission).

Conditions:
PRPH2-related disorder. Also called: PRPH2-related condition; PRPH2-related disorders. Identifiers: MedGen CN239395.

Submission:

Labcorp Genetics (formerly Invitae), Labcorp
Classification: Pathogenic for PRPH2-related disorder. Last evaluated: 2024-11-28. Review status: criteria provided, single submitter. Criteria: Invitae Variant Classification Sherloc (09022015). Collection method: clinical testing. Allele origin: germline.
Comment: This variant, c.811_822del, results in the deletion of 4 amino acid(s) of the PRPH2 protein (p.Leu271_Leu274del), but otherwise preserves the integrity of the reading frame. This variant is not present in population databases (gnomAD no frequency). This variant has been observed in individual(s) with autosomal dominant retinitis pigmentosa (internal data). ClinVar contains an entry for this variant (Variation ID: 2094333). This variant disrupts a region of the PRPH2 protein in which other variant(s) (p.Leu271del) have been determined to be pathogenic (PMID: 18310263; internal data). This suggests that this is a clinically significant region of the protein, and that variants that disrupt it are likely to be disease-causing. For these reasons, this variant has been classified as Pathogenic.

Literature cited by the submitters: PubMed 18310263.

NM_000322.5(PRPH2):c.811_822del (p.Leu271_Leu274del)

Gene: PRPH2 (peripherin 2; minus strand). Cytogenetic location: 6p21.1.
Variant type: Deletion.
Coding change: c.811_822del on transcript NM_000322.5 (MANE Select); coding-DNA positions 811 to 822, 12 bases deleted (CTCATTTGGCTC).
Protein change: p.Leu271_Leu274del.
Molecular consequence: inframe deletion.
Genome position (GRCh38, 1-based): chr6:42,704,371-42,704,382, GAGCCAAATGAG deleted on the plus strand (CTCATTTGGCTC on the coding strand, the reverse complement: PRPH2 is on the minus strand); deleting any 12 consecutive bases within chr6:42,704,371-42,704,386 gives the same sequence; the c. name uses the placement nearest the transcript's 3' end. VCF-style (leftmost placement, unchanged base first): chr6-42704370-AGAGCCAAATGAG-A. GRCh37 (hg19) VCF-style: chr6-42672108-AGAGCCAAATGAG-A.
Identifiers: ClinVar variation 2094333 (VCV002094333.4), dbSNP rs2548300655, ClinGen allele CA2580074584.